The following is an entry in ClinVar:

ClinVar aggregate classification (germline): Uncertain significance (1 of 4 stars; one submission).

Conditions:
Cystic fibrosis (CF). Also called: MUCOVISCIDOSIS. Identifiers: Orphanet 586, MedGen C0010674, MONDO:0009061, OMIM 219700. Disease mechanism: loss of function.

gnomAD v4.1: 2 of 1,613,116 alleles (0.00012%); highest among the groups gnomAD compares: Admixed American, 0.0017%; no homozygotes.

Submission:

Ambry Genetics
Classification: Uncertain significance for Cystic fibrosis. Last evaluated: 2026-05-26. Review status: criteria provided, single submitter. Criteria: Ambry Variant Classification Scheme 2023. Collection method: clinical testing. Allele origin: germline.
Comment: The p.F1111L variant (also known as c.3331T>C), located in coding exon 20 of the CFTR gene, results from a T to C substitution at nucleotide position 3331. The phenylalanine at codon 1111 is replaced by leucine, an amino acid with highly similar properties. This amino acid position is conserved. In addition, this alteration is predicted to be deleterious by in silico analysis. Based on the available evidence, the clinical significance of this variant remains unclear.

NM_000492.4(CFTR):c.3331T>C (p.Phe1111Leu)

Genes: CFTR (CF transmembrane conductance regulator; plus strand), CFTR-AS2 (CFTR antisense RNA 2; minus strand), LOC111674472 (DNase I hypersensitive sites in introns 16 and 17a of CFTR; plus strand). Cytogenetic location: 7q31.2.
Variant type: single nucleotide variant.
Coding change: c.3331T>C on transcript NM_000492.4 (MANE Select); coding-DNA position 3331, T replaced by C.
Protein change: p.Phe1111Leu; replaces phenylalanine 1111 with leucine.
Molecular consequence: missense variant.
Genome position (GRCh38, 1-based): chr7:117,611,772, T>C. VCF-style: chr7-117611772-T-C. GRCh37 (hg19) VCF-style: chr7-117251826-T-C.
Other names: short protein forms F1111L.
Identifiers: ClinVar variation 4868858 (VCV004868858.1).